The following is an entry in ClinVar:

NM_000465.4(BARD1):c.598G>A (p.Ala200Thr)

Gene: BARD1 (BRCA1 associated RING domain 1; minus strand). Cytogenetic location: 2q35.
Variant type: single nucleotide variant.
Coding change: c.598G>A on transcript NM_000465.4 (MANE Select); coding-DNA position 598, G replaced by A.
Protein change: p.Ala200Thr; replaces alanine 200 with threonine.
Molecular consequence: missense variant. On other transcripts: non-coding transcript variant (2), intron variant (3).
Genome position (GRCh38, 1-based): chr2:214,781,276, C>T on the plus strand (G>A on the coding strand, the complement: BARD1 is on the minus strand). VCF-style: chr2-214781276-C-T. GRCh37 (hg19) VCF-style: chr2-215646000-C-T.
Other names: c.541G>A, p.Ala181Thr (NM_001282543.2); c.158+28136G>A (NM_001282548.2); c.215+15785G>A (NM_001282545.2); c.364+11021G>A (NM_001282549.2); short protein forms A181T, A200T.
Identifiers: ClinVar variation 963502 (VCV000963502.10), dbSNP rs1695013070, ClinGen allele CA350456769.

ClinVar aggregate classification (germline): Uncertain significance (1 of 4 stars; one submission).

Conditions:
Familial cancer of breast. Also called: BREAST CANCER, FAMILIAL; Hereditary breast cancer; hereditary breast carcinoma. Identifiers: Orphanet 227535, MedGen C0346153, MONDO:0016419, OMIM 114480. Disease mechanism: loss of function.

Submission:

Labcorp Genetics (formerly Invitae), Labcorp
Classification: Uncertain significance for Familial cancer of breast. Last evaluated: 2019-08-27. Review status: criteria provided, single submitter. Criteria: Invitae Variant Classification Sherloc (09022015). Collection method: clinical testing. Allele origin: germline.
Comment: In summary, the available evidence is currently insufficient to determine the role of this variant in disease. Therefore, it has been classified as a Variant of Uncertain Significance. Algorithms developed to predict the effect of missense changes on protein structure and function output the following: SIFT: "Tolerated"; PolyPhen-2: "Benign"; Align-GVGD: "Class C0". The threonine amino acid residue is found in multiple mammalian species, suggesting that this missense change does not adversely affect protein function. These predictions have not been confirmed by published functional studies and their clinical significance is uncertain. This variant has not been reported in the literature in individuals with BARD1-related conditions. This variant is not present in population databases (ExAC no frequency). This sequence change replaces alanine with threonine at codon 200 of the BARD1 protein (p.Ala200Thr). The alanine residue is weakly conserved and there is a small physicochemical difference between alanine and threonine.